The following is an entry in ClinVar:

NM_006231.4(POLE):c.286-4A>G

Gene: POLE (DNA polymerase epsilon, catalytic subunit; minus strand). Cytogenetic location: 12q24.33.
Variant type: single nucleotide variant.
Coding change: c.286-4A>G on transcript NM_006231.4 (MANE Select); 4 bases into the intron before coding-DNA position 286, A replaced by G.
Molecular consequence: intron variant.
Genome position (GRCh38, 1-based): chr12:132,680,226, T>C on the plus strand (A>G on the coding strand, the complement: POLE is on the minus strand). VCF-style: chr12-132680226-T-C. GRCh37 (hg19) VCF-style: chr12-133256812-T-C.
Identifiers: ClinVar variation 4671612 (VCV004671612.1).

ClinVar aggregate classification (germline): Uncertain significance (1 of 4 stars; one submission).

Conditions:
Hereditary cancer-predisposing syndrome. Also called: Neoplastic Syndromes, Hereditary; Tumor predisposition; Hereditary Cancer Syndrome; Hereditary neoplastic syndrome. Identifiers: Orphanet 140162, MedGen C0027672, MeSH D009386, MONDO:0015356.

Submission:

Ambry Genetics
Classification: Uncertain significance for Hereditary cancer-predisposing syndrome. Last evaluated: 2025-10-01. Review status: criteria provided, single submitter. Criteria: Ambry Variant Classification Scheme 2023. Collection method: clinical testing. Allele origin: germline.
Comment: The c.286-4A>G intronic variant results from an A to G substitution 4 nucleotides upstream from coding exon 4 in the POLE gene. This nucleotide position is poorly conserved in available vertebrate species. In silico splice site analysis predicts that this alteration may weaken the native splice acceptor site and will result in the creation or strengthening of a novel splice acceptor site. Based on the available evidence, the clinical significance of this variant remains unclear.